The following is an entry in ClinVar:

NM_000891.3(KCNJ2):c.42AGA[2] (p.Glu16del)

Gene: KCNJ2 (potassium inwardly rectifying channel subfamily J member 2; plus strand). Cytogenetic location: 17q24.3.
Variant type: Microsatellite.
Coding change: c.42AGA[2] on transcript NM_000891.3 (MANE Select); two copies in a row of the 3-base unit AGA starting at c.42; the reference has three copies in a row; one copy, 3 bases deleted.
Protein change: p.Glu16del; deletes glutamic acid 16.
Molecular consequence: inframe deletion.
Genome position (GRCh38, 1-based): chr17:70,175,087-70,175,089, AGA deleted; deleting any 3 consecutive bases within chr17:70,175,081-70,175,089 gives the same sequence; the position shown is the placement nearest the transcript's 3' end. VCF-style (leftmost placement, unchanged base first): chr17-70175080-CAGA-C. GRCh37 (hg19) VCF-style: chr17-68171221-CAGA-C.
Other names: short protein forms E16del.
Identifiers: ClinVar variation 3749287 (VCV003749287.2).

ClinVar aggregate classification (germline): Uncertain significance (1 of 4 stars; one submission).

Conditions:
Andersen Tawil syndrome (LQT7). Also called: Andersen Syndrome; Potassium-sensitive periodic paralysis, ventricular ectopy, and dysmorphic features; ANDERSEN CARDIODYSRHYTHMIC PERIODIC PARALYSIS; LONG QT SYNDROME 7; PERIODIC PARALYSIS, POTASSIUM-SENSITIVE CARDIODYSRHYTHMIC TYPE. Identifiers: Orphanet 37553, MedGen C1563715, MONDO:0008222, OMIM 170390.
Short QT syndrome type 3. Identifiers: Orphanet 51083, MedGen C1865018, MONDO:0012314, OMIM 609622.

Submission:

Labcorp Genetics (formerly Invitae), Labcorp
Classification: Uncertain significance for Short QT syndrome type 3; Andersen Tawil syndrome. Last evaluated: 2025-09-25. Review status: criteria provided, single submitter. Criteria: Invitae Variant Classification Sherloc (09022015). Collection method: clinical testing. Allele origin: germline.
Comment: This variant, c.48_50del, results in the deletion of 1 amino acid(s) of the KCNJ2 protein (p.Glu16del), but otherwise preserves the integrity of the reading frame. This variant is not present in population databases (gnomAD no frequency). This variant has not been reported in the literature in individuals affected with KCNJ2-related conditions. Experimental studies and prediction algorithms are not available or were not evaluated, and the functional significance of this variant is currently unknown. In summary, the available evidence is currently insufficient to determine the role of this variant in disease. Therefore, it has been classified as a Variant of Uncertain Significance.